The following is an entry in ClinVar:

ClinVar aggregate classification (germline): Likely benign (1 of 4 stars; one submission).

Submission:

CeGaT Center for Human Genetics Tuebingen
Classification: Likely benign. Last evaluated: 2023-08-01. Review status: criteria provided, single submitter. Criteria: CeGaT Center For Human Genetics Tuebingen Variant Classification Criteria Version 2. Collection method: clinical testing. Allele origin: germline. Affected: yes. Observed: 2 variant alleles.
Comment: SACS: PM2:Supporting, BP4, BP7

NM_014363.6(SACS):c.3642G>T (p.Gly1214=)

Gene: SACS (sacsin molecular chaperone; minus strand). Cytogenetic location: 13q12.12.
Variant type: single nucleotide variant.
Coding change: c.3642G>T on transcript NM_014363.6 (MANE Select); coding-DNA position 3642, G replaced by T.
Protein change: p.Gly1214=; no amino-acid change (glycine 1214 retained).
Molecular consequence: synonymous variant.
Genome position (GRCh38, 1-based): chr13:23,340,234, C>A on the plus strand (G>T on the coding strand, the complement: SACS is on the minus strand). VCF-style: chr13-23340234-C-A. GRCh37 (hg19) VCF-style: chr13-23914373-C-A.
Other names: c.3201G>T, p.Gly1067= (NM_001278055.2).
Identifiers: ClinVar variation 2643677 (VCV002643677.24), dbSNP rs2542293020, ClinGen allele CA483163112.